The following is an entry in ClinVar:

ClinVar aggregate classification (germline): Uncertain significance (0 of 4 stars; one submission).

Conditions:
SEMA3A-related disorder. Also called: SEMA3A-related condition.

Submission:

PreventionGenetics, part of Exact Sciences
Classification: Uncertain significance for SEMA3A-related condition. Last evaluated: 2024-01-10. Review status: no assertion criteria provided. Collection method: clinical testing. Allele origin: germline.
Comment: The SEMA3A c.247G>C variant is predicted to result in the amino acid substitution p.Val83Leu. To our knowledge, this variant has not been reported in the literature or in a large population database, indicating this variant is rare. At this time, the clinical significance of this variant is uncertain due to the absence of conclusive functional and genetic evidence.

NM_006080.3(SEMA3A):c.247G>C (p.Val83Leu)

Gene: SEMA3A (semaphorin 3A; minus strand). Cytogenetic location: 7q21.11.
Variant type: single nucleotide variant.
Coding change: c.247G>C on transcript NM_006080.3 (MANE Select); coding-DNA position 247, G replaced by C.
Protein change: p.Val83Leu; replaces valine 83 with leucine.
Molecular consequence: missense variant.
Genome position (GRCh38, 1-based): chr7:84,134,817, C>G on the plus strand (G>C on the coding strand, the complement: SEMA3A is on the minus strand). VCF-style: chr7-84134817-C-G. GRCh37 (hg19) VCF-style: chr7-83764133-C-G.
Other names: short protein forms V83L.
Identifiers: ClinVar variation 3349682 (VCV003349682.1).